The following is an entry in ClinVar:

ClinVar aggregate classification (germline): Conflicting classifications of pathogenicity. Review status: criteria provided, conflicting classifications (1 of 4 stars). 3 submissions from 3 submitters: Uncertain significance (2); Likely benign (1). Last evaluated 2025-11-09.

Conditions:
Hereditary cancer-predisposing syndrome. Also called: Hereditary Cancer Syndrome; Neoplastic Syndromes, Hereditary; Tumor predisposition; Hereditary neoplastic syndrome. Identifiers: Orphanet 140162, MedGen C0027672, MeSH D009386, MONDO:0015356.
Hereditary breast ovarian cancer syndrome. Also called: Breast and ovarian cancer; Hereditary breast and/or ovarian cancer syndrome; Hereditary breast and ovarian cancer; Hereditary breast and ovarian cancer syndrome (HBOC); BRCA1- and BRCA2-Associated Hereditary Breast and Ovarian Cancer; Hereditary breast and ovarian cancer syndrome. Identifiers: Orphanet 145, MedGen C0677776, MeSH D061325, MONDO:0003582. Disease mechanism: loss of function.

Submissions (3):

Labcorp Genetics (formerly Invitae), Labcorp
Classification: Uncertain significance for Hereditary breast ovarian cancer syndrome. Last evaluated: 2025-11-09. Review status: criteria provided, single submitter. Criteria: Invitae Variant Classification Sherloc (09022015). Collection method: clinical testing. Allele origin: germline.
Comment: This sequence change replaces histidine, which is basic and polar, with glutamine, which is neutral and polar, at codon 1458 of the BRCA2 protein (p.His1458Gln). This variant is not present in population databases (gnomAD no frequency). This variant has not been reported in the literature in individuals affected with BRCA2-related conditions. ClinVar contains an entry for this variant (Variation ID: 489759). Invitae Evidence Modeling of protein sequence and biophysical properties (such as structural, functional, and spatial information, amino acid conservation, physicochemical variation, residue mobility, and thermodynamic stability) indicates that this missense variant is not expected to disrupt BRCA2 protein function with a negative predictive value of 95%. In summary, the available evidence is currently insufficient to determine the role of this variant in disease. Therefore, it has been classified as a Variant of Uncertain Significance.

Color Diagnostics, LLC DBA Color Health
Classification: Uncertain significance for Hereditary cancer-predisposing syndrome. Last evaluated: 2023-12-05. Review status: criteria provided, single submitter. Criteria: ACMG Guidelines, 2015. Collection method: clinical testing. Allele origin: germline.
Comment: This missense variant replaces histidine with glutamine at codon 1458 of the BRCA2 protein. Computational prediction suggests that this variant may not impact protein structure and function (internally defined REVEL score threshold <= 0.5, PMID: 27666373). To our knowledge, functional studies have not been reported for this variant. This variant has not been reported in individuals affected with BRCA2-related disorders in the literature. This variant has not been identified in the general population by the Genome Aggregation Database (gnomAD). The available evidence is insufficient to determine the role of this variant in disease conclusively. Therefore, this variant is classified as a Variant of Uncertain Significance.

University of Washington Department of Laboratory Medicine, University of Washington
Classification: Likely benign for Hereditary cancer-predisposing syndrome. Last evaluated: 2023-03-23. Review status: criteria provided, single submitter. Criteria: Dines et al. (Genet Med. 2020). Collection method: curation. Allele origin: germline.
Comment: Missense variant in a coldspot region where missense variants are very unlikely to be pathogenic (PMID:31911673).

BRCA2 exon 11 coldspot. Reclassification based on statistical prior probability.

NM_000059.4(BRCA2):c.4374T>A (p.His1458Gln)

Gene: BRCA2 (BRCA2 DNA repair associated; plus strand). Cytogenetic location: 13q13.1.
Variant type: single nucleotide variant.
Coding change: c.4374T>A on transcript NM_000059.4 (MANE Select); coding-DNA position 4374, T replaced by A.
Protein change: p.His1458Gln; replaces histidine 1458 with glutamine.
Molecular consequence: missense variant.
Genome position (GRCh38, 1-based): chr13:32,338,729, T>A. VCF-style: chr13-32338729-T-A. GRCh37 (hg19) VCF-style: chr13-32912866-T-A.
Other names: short protein forms H1458Q.
Identifiers: ClinVar variation 489759 (VCV000489759.16), dbSNP rs1060504627, ClinGen allele CA387781016.
Genomic context (GRCh38, chr13:32,338,729, plus strand): 5'-CGCCAAAGAGTCATTTAATAAAATTGTAAATTTCTTTGATCAGAAACCAGAAGAATTGCA[T>A]AACTTTTCCTTAAATTCTGAATTACATTCTGACATAAGAAAGAACAAAATGGACATTCTA-3'
Protein context (NP_000050.3, residues 1448-1468): NFFDQKPEEL[His1458Gln]NFSLNSELHS